The following is an entry in ClinVar:

NM_021975.4(RELA):c.917A>G (p.Tyr306Cys)

Gene: RELA (RELA proto-oncogene, NF-kB subunit; minus strand). Cytogenetic location: 11q13.1.
Variant type: single nucleotide variant.
Coding change: c.917A>G on transcript NM_021975.4 (MANE Select); coding-DNA position 917, A replaced by G.
Protein change: p.Tyr306Cys; replaces tyrosine 306 with cysteine.
Molecular consequence: missense variant.
Genome position (GRCh38, 1-based): chr11:65,655,896, T>C on the plus strand (A>G on the coding strand, the complement: RELA is on the minus strand). VCF-style: chr11-65655896-T-C. GRCh37 (hg19) VCF-style: chr11-65423367-T-C.
Other names: c.917A>G (NM_021975.3); c.908A>G, p.Tyr303Cys (NM_001145138.2); c.917A>G, p.Tyr306Cys (NM_001243984.2, NM_001243985.2); c.950A>G, p.Tyr317Cys (NM_001404657.1); c.890A>G, p.Tyr297Cys (NM_001404658.1); c.704A>G, p.Tyr235Cys (NM_001404659.1); c.599A>G, p.Tyr200Cys (NM_001404660.1); c.536A>G, p.Tyr179Cys (NM_001404661.1); and 1 more; short protein forms Y179C, Y200C, Y235C, Y275C, Y297C, Y303C, Y306C, Y317C.
Identifiers: ClinVar variation 1716046 (VCV001716046.8), dbSNP rs138034120, ClinGen allele CA6106748.

ClinVar aggregate classification (germline): Uncertain significance. Review status: criteria provided, single submitter (1 of 4 stars). 2 submissions from 2 submitters: Uncertain significance (1). 1 of the submissions does not count toward it. Last evaluated 2022-09-22.

Conditions:
RELA-related disorder. Also called: RELA-related condition.

Allele frequency attached by ClinVar (database versions not stated): gnomAD exomes below 0.00001; gnomAD 0.00001; TOPMed 0.00001; ExAC 0.00002; ESP Exome Variant Server 0.00008.
gnomAD v4.1: 3 of 1,613,980 alleles (0.00019%); highest among the groups gnomAD compares: East Asian, 0.0022%; no homozygotes.

Submissions (2):

Labcorp Genetics (formerly Invitae), Labcorp
Classification: Uncertain significance. Last evaluated: 2022-09-22. Review status: criteria provided, single submitter. Criteria: Invitae Variant Classification Sherloc (09022015). Collection method: clinical testing. Allele origin: germline.
Comment: In summary, the available evidence is currently insufficient to determine the role of this variant in disease. Therefore, it has been classified as a Variant of Uncertain Significance. This sequence change replaces tyrosine, which is neutral and polar, with cysteine, which is neutral and slightly polar, at codon 306 of the RELA protein (p.Tyr306Cys). This variant is present in population databases (rs138034120, gnomAD 0.006%). This variant has not been reported in the literature in individuals affected with RELA-related conditions. Algorithms developed to predict the effect of missense changes on protein structure and function (SIFT, PolyPhen-2, Align-GVGD) all suggest that this variant is likely to be tolerated.

PreventionGenetics, part of Exact Sciences
Classification: Uncertain significance for RELA-related condition. Last evaluated: 2023-11-30. Review status: no assertion criteria provided. Collection method: clinical testing. Allele origin: germline. Not counted in ClinVar's aggregate classification.
Comment: The RELA c.917A>G variant is predicted to result in the amino acid substitution p.Tyr306Cys. To our knowledge, this variant has not been reported in the literature. This variant is reported in 0.0054% of alleles in individuals of East Asian descent in gnomAD. At this time, the clinical significance of this variant is uncertain due to the absence of conclusive functional and genetic evidence.